The following is an entry in ClinVar:

ClinVar aggregate classification (germline): Likely benign (0 of 4 stars; one submission).

Conditions:
ACACB-related disorder. Also called: ACACB-related condition.

gnomAD v4.1: 94 of 1,613,748 alleles (0.0058%); highest among the groups gnomAD compares: Middle Eastern, 0.033%; no homozygotes.

Submission:

PreventionGenetics, part of Exact Sciences
Classification: Likely benign for ACACB-related condition. Last evaluated: 2019-06-08. Review status: no assertion criteria provided. Collection method: clinical testing. Allele origin: germline.
Comment: This variant is classified as likely benign based on ACMG/AMP sequence variant interpretation guidelines (Richards et al. 2015 PMID: 25741868, with internal and published modifications).

NM_001093.4(ACACB):c.6180G>A (p.Thr2060=)

Gene: ACACB (acetyl-CoA carboxylase beta; plus strand). Cytogenetic location: 12q24.11.
Variant type: single nucleotide variant.
Coding change: c.6180G>A on transcript NM_001093.4 (MANE Select); coding-DNA position 6180, G replaced by A.
Protein change: p.Thr2060=; no amino-acid change (threonine 2060 retained).
Molecular consequence: synonymous variant.
Genome position (GRCh38, 1-based): chr12:109,256,153, G>A. VCF-style: chr12-109256153-G-A. GRCh37 (hg19) VCF-style: chr12-109693958-G-A.
Other names: c.6180G>A, p.Thr2060= (NM_001412734.1, NM_001412735.1); c.5574G>A, p.Thr1858= (NM_001412736.1); c.5553G>A, p.Thr1851= (NM_001412737.1); c.5385G>A, p.Thr1795= (NM_001412738.1).
Identifiers: ClinVar variation 3044300 (VCV003044300.2), dbSNP rs748417042, ClinGen allele CA6774996.